The following is an entry in ClinVar:

NM_001042702.5(PJVK):c.340G>T (p.Ala114Ser)

Gene: PJVK (pejvakin; plus strand). Cytogenetic location: 2q31.2.
Variant type: single nucleotide variant.
Coding change: c.340G>T on transcript NM_001042702.5 (MANE Select); coding-DNA position 340, G replaced by T.
Protein change: p.Ala114Ser; replaces alanine 114 with serine.
Molecular consequence: missense variant. On other transcripts: 5 prime UTR variant (2).
Genome position (GRCh38, 1-based): chr2:178,454,460, G>T. VCF-style: chr2-178454460-G-T. GRCh37 (hg19) VCF-style: chr2-179319187-G-T.
Other names: c.349G>T, p.Ala117Ser (NM_001353775.2); c.445G>T, p.Ala149Ser (NM_001353776.2); c.-138G>T (NM_001353777.1, NM_001353778.2); c.340G>T, p.Ala114Ser (NM_001369912.1); short protein forms A114S, A117S, A149S.
Identifiers: ClinVar variation 1683212 (VCV001683212.8), dbSNP rs538139082, ClinGen allele CA1984169.

ClinVar aggregate classification (germline): Uncertain significance (1 of 4 stars; one submission).

Allele frequency attached by ClinVar (database versions not stated): TOPMed below 0.00001; gnomAD 0.00001; gnomAD exomes 0.00001; ExAC 0.00002; 1000 Genomes Project 30x 0.00016; 1000 Genomes Project 0.00020.
gnomAD v4.1: 4 of 1,613,924 alleles (0.00025%); highest among the groups gnomAD compares: South Asian, 0.0033%; no homozygotes.

Submission:

Labcorp Genetics (formerly Invitae), Labcorp
Classification: Uncertain significance. Last evaluated: 2022-01-18. Review status: criteria provided, single submitter. Criteria: Invitae Variant Classification Sherloc (09022015). Collection method: clinical testing. Allele origin: germline.
Comment: In summary, the available evidence is currently insufficient to determine the role of this variant in disease. Therefore, it has been classified as a Variant of Uncertain Significance. Algorithms developed to predict the effect of missense changes on protein structure and function are either unavailable or do not agree on the potential impact of this missense change (SIFT: "Deleterious"; PolyPhen-2: "Probably Damaging"; Align-GVGD: "Class C0"). This variant has not been reported in the literature in individuals affected with DFNB59-related conditions. This variant is present in population databases (rs538139082, gnomAD 0.003%). This sequence change replaces alanine, which is neutral and non-polar, with serine, which is neutral and polar, at codon 114 of the DFNB59 protein (p.Ala114Ser).